The following is an entry in ClinVar:

NM_000439.5(PCSK1):c.223C>A (p.His75Asn)

Genes: CAST (calpastatin; plus strand), PCSK1 (proprotein convertase subtilisin/kexin type 1; minus strand), LOC101929710 (uncharacterized LOC101929710; plus strand). Cytogenetic location: 5q15.
Variant type: single nucleotide variant.
Coding change: c.223C>A on transcript NM_000439.5 (MANE Select); coding-DNA position 223, C replaced by A.
Protein change: p.His75Asn; replaces histidine 75 with asparagine.
Molecular consequence: missense variant. On other transcripts: intron variant (11).
Genome position (GRCh38, 1-based): chr5:96,429,275, G>T on the plus strand (C>A on the coding strand, the complement: PCSK1 is on the minus strand). VCF-style: chr5-96429275-G-T. GRCh37 (hg19) VCF-style: chr5-95764979-G-T.
Other names: c.82C>A, p.His28Asn (NM_001177875.2); c.-175+49623G>T (NM_001423254.1, NM_001423259.1, NM_001423255.1 and 6 more transcripts); c.-103+49623G>T (NM_001423253.1); c.-40+49623G>T (NM_001423258.1); short protein forms H75N, H28N.
Identifiers: ClinVar variation 4998831 (VCV004998831.1).

ClinVar aggregate classification (germline): Uncertain significance (1 of 4 stars; one submission).

Conditions:
PCSK1-related disorder. Also called: PCSK1-related condition.

gnomAD v4.1: 1 of 1,602,634 alleles (0.000062%); highest among the groups gnomAD compares: Non-Finnish European, 0.000085%; no homozygotes.

Submission:

PreventionGenetics, part of Exact Sciences
Classification: Uncertain significance for PCSK1-related condition. Last evaluated: 2025-06-23. Review status: criteria provided, single submitter. Criteria: ACMG Guidelines, 2015. Collection method: clinical testing. Allele origin: germline.
Comment: The PCSK1 c.223C>A variant is predicted to result in the amino acid substitution p.His75Asn. To our knowledge, this variant has not been reported in the literature or in a large population database (gnomAD), indicating this variant is rare. At this time, the clinical significance of this variant is uncertain due to the absence of conclusive functional and genetic evidence.